The following is an entry in ClinVar:

NM_014855.3(AP5Z1):c.791-3C>T

Gene: AP5Z1 (adaptor related protein complex 5 subunit zeta 1; plus strand). Cytogenetic location: 7p22.1.
Variant type: single nucleotide variant.
Coding change: c.791-3C>T on transcript NM_014855.3 (MANE Select); 3 bases into the intron before coding-DNA position 791, C replaced by T.
Molecular consequence: intron variant.
Genome position (GRCh38, 1-based): chr7:4,784,905, C>T. VCF-style: chr7-4784905-C-T. GRCh37 (hg19) VCF-style: chr7-4824536-C-T.
Other names: c.323-3C>T (NM_001364858.1).
Identifiers: ClinVar variation 1403599 (VCV001403599.6), dbSNP rs1480152137, ClinGen allele CA1684534032.
Genomic context (GRCh38, chr7:4,784,905, plus strand): 5'-CAGCAGGCATGTCCCAGCCCGGGAGCCACACGTCAGCCTGCTGAGAGTTCCCACCTCCCG[C>T]AGATGACAGGTCAGAGCAGGAGGGCTCCACTCTGTCGGTGATCTCCGCCACCTCCTCTGC-3'

ClinVar aggregate classification (germline): Uncertain significance (1 of 4 stars; one submission).

Conditions:
Hereditary spastic paraplegia 48. Also called: SPASTIC PARAPLEGIA 48, AUTOSOMAL RECESSIVE; Spastic paraplegia 48. Identifiers: Orphanet 306511, MedGen C3150901, MONDO:0013342, OMIM 613647.

Allele frequency attached by ClinVar (database versions not stated): gnomAD exomes below 0.00001.
gnomAD v4.1: 3 of 1,607,980 alleles (0.00019%); highest among the groups gnomAD compares: Non-Finnish European, 0.00026%; no homozygotes.

Submission:

Labcorp Genetics (formerly Invitae), Labcorp
Classification: Uncertain significance for Hereditary spastic paraplegia 48. Last evaluated: 2021-10-12. Review status: criteria provided, single submitter. Criteria: Invitae Variant Classification Sherloc (09022015). Collection method: clinical testing. Allele origin: germline.
Comment: This sequence change falls in intron 6 of the AP5Z1 gene. It does not directly change the encoded amino acid sequence of the AP5Z1 protein. It affects a nucleotide within the consensus splice site. This variant is not present in population databases (ExAC no frequency). This variant has not been reported in the literature in individuals affected with AP5Z1-related conditions. Variants that disrupt the consensus splice site are a relatively common cause of aberrant splicing (PMID: 17576681, 9536098). Algorithms developed to predict the effect of sequence changes on RNA splicing suggest that this variant may disrupt the consensus splice site. In summary, the available evidence is currently insufficient to determine the role of this variant in disease. Therefore, it has been classified as a Variant of Uncertain Significance.

Literature cited by the submitters: PubMed 17576681; PubMed 9536098.